The following is an entry in ClinVar:

ClinVar aggregate classification (germline): Uncertain significance (1 of 4 stars; one submission).

Allele frequency attached by ClinVar (database versions not stated): gnomAD 0.00001; TOPMed 0.00001.
gnomAD v4.1: 30 of 1,598,632 alleles (0.0019%); highest among the groups gnomAD compares: Non-Finnish European, 0.0022%; no homozygotes.

Submission:

Labcorp Genetics (formerly Invitae), Labcorp
Classification: Uncertain significance. Last evaluated: 2023-02-18. Review status: criteria provided, single submitter. Criteria: Invitae Variant Classification Sherloc (09022015). Collection method: clinical testing. Allele origin: germline.
Comment: In summary, the available evidence is currently insufficient to determine the role of this variant in disease. Therefore, it has been classified as a Variant of Uncertain Significance. Experimental studies and prediction algorithms are not available or were not evaluated, and the functional significance of this variant is currently unknown. This variant has not been reported in the literature in individuals affected with DNA2-related conditions. This variant is present in population databases (no rsID available, gnomAD 0.0009%). This sequence change replaces proline, which is neutral and non-polar, with threonine, which is neutral and polar, at codon 35 of the DNA2 protein (p.Pro35Thr).

NM_001080449.3(DNA2):c.103C>A (p.Pro35Thr)

Gene: DNA2 (DNA replication helicase/nuclease 2; minus strand). Cytogenetic location: 10q21.3.
Variant type: single nucleotide variant.
Coding change: c.103C>A on transcript NM_001080449.3 (MANE Select); coding-DNA position 103, C replaced by A.
Protein change: p.Pro35Thr; replaces proline 35 with threonine.
Molecular consequence: missense variant. On other transcripts: non-coding transcript variant (1).
Genome position (GRCh38, 1-based): chr10:68,470,135, G>T on the plus strand (C>A on the coding strand, the complement: DNA2 is on the minus strand). VCF-style: chr10-68470135-G-T. GRCh37 (hg19) VCF-style: chr10-70229892-G-T.
Other names: short protein forms P35T.
Identifiers: ClinVar variation 1923796 (VCV001923796.5), dbSNP rs1254577205, ClinGen allele CA376832450.